The following is an entry in ClinVar:

ClinVar aggregate classification (germline): Uncertain significance. Review status: criteria provided, multiple submitters, no conflicts (2 of 4 stars). 2 submissions from 2 submitters: Uncertain significance (2). Last evaluated 2022-05-24.

Conditions:
Inborn genetic diseases. Identifiers: MedGen C0950123, MeSH D030342.

Submissions (2):

Ambry Genetics
Classification: Uncertain significance for Inborn genetic diseases. Last evaluated: 2022-05-24. Review status: criteria provided, single submitter. Criteria: Ambry Variant Classification Scheme 2023. Collection method: clinical testing. Allele origin: germline.

GeneDx
Classification: Uncertain significance. Last evaluated: 2019-12-17. Review status: criteria provided, single submitter. Criteria: GeneDx Variant Classification Process June 2021. Collection method: clinical testing. Allele origin: germline. Affected: yes.
Comment: Not observed in large population cohorts (Lek et al., 2016); In silico analysis, which includes protein predictors and evolutionary conservation, supports a deleterious effect; Has not been previously published as pathogenic or benign to our knowledge

NM_001278116.2(L1CAM):c.1475C>T (p.Thr492Ile)

Gene: L1CAM (L1 cell adhesion molecule; minus strand). Cytogenetic location: Xq28.
Variant type: single nucleotide variant.
Coding change: c.1475C>T on transcript NM_001278116.2 (MANE Select); coding-DNA position 1475, C replaced by T.
Protein change: p.Thr492Ile; replaces threonine 492 with isoleucine.
Molecular consequence: missense variant.
Genome position (GRCh38, 1-based): chrX:153,868,632, G>A on the plus strand (C>T on the coding strand, the complement: L1CAM is on the minus strand). VCF-style: chrX-153868632-G-A. GRCh37 (hg19) VCF-style: chrX-153134087-G-A.
Other names: c.1475C>T, p.Thr492Ile (NM_000425.5, NM_024003.3); c.1460C>T, p.Thr487Ile (NM_001143963.2); short protein forms T487I, T492I.
Identifiers: ClinVar variation 1311282 (VCV001311282.4), dbSNP rs2148496683, ClinGen allele CA415125915.
Genomic context (GRCh38, chrX:153,868,632, plus strand): 5'-AGGTTAGCCATGATGGTAACATTGTTTTGGTCATTGGCAGCCAGGCAGAAGTAGCGTCCG[G>A]TGTCATTGGCCTGGAGGTCTCGAATGCCCAGGGTCCCATTGGCATAGGGGAAGAAGCGTT-3'
Protein context (NP_001265045.1, residues 482-502): LGIRDLQAND[Thr492Ile]GRYFCLAAND